The following is an entry in ClinVar:

NM_007272.3(CTRC):c.159C>G (p.Asp53Glu)

Gene: CTRC (chymotrypsin C; plus strand). Cytogenetic location: 1p36.21.
Variant type: single nucleotide variant.
Coding change: c.159C>G on transcript NM_007272.3 (MANE Select); coding-DNA position 159, C replaced by G.
Protein change: p.Asp53Glu; replaces aspartic acid 53 with glutamic acid.
Molecular consequence: missense variant.
Genome position (GRCh38, 1-based): chr1:15,440,519, C>G. VCF-style: chr1-15440519-C-G. GRCh37 (hg19) VCF-style: chr1-15767015-C-G.
Other names: short protein forms D53E.
Identifiers: ClinVar variation 3226052 (VCV003226052.1), dbSNP rs2526290061, ClinGen allele CA338564997.

ClinVar aggregate classification (germline): Uncertain significance (1 of 4 stars; one submission).

Conditions:
Hereditary pancreatitis (PCTT). Also called: Hereditary chronic pancreatitis; PRSS1-Related Hereditary Pancreatitis. Identifiers: Orphanet 676, MedGen C0238339, MONDO:0008185, OMIM 167800.

Submission:

Ambry Genetics
Classification: Uncertain significance for Hereditary pancreatitis. Last evaluated: 2023-12-11. Review status: criteria provided, single submitter. Criteria: Ambry Variant Classification Scheme 2023. Collection method: clinical testing. Allele origin: germline.
Comment: The p.D53E variant (also known as c.159C>G), located in coding exon 3 of the CTRC gene, results from a C to G substitution at nucleotide position 159. The aspartic acid at codon 53 is replaced by glutamic acid, an amino acid with highly similar properties. This amino acid position is conserved. In addition, this alteration is predicted to be tolerated by in silico analysis. Since supporting evidence is limited at this time, the clinical significance of this alteration remains unclear.